The following is an entry in ClinVar:

NM_000245.4(MET):c.2168A>C (p.Lys723Thr)

Gene: MET (MET proto-oncogene, receptor tyrosine kinase; plus strand). Cytogenetic location: 7q31.2.
Variant type: single nucleotide variant.
Coding change: c.2168A>C on transcript NM_000245.4 (MANE Select); coding-DNA position 2168, A replaced by C.
Protein change: p.Lys723Thr; replaces lysine 723 with threonine.
Molecular consequence: missense variant.
Genome position (GRCh38, 1-based): chr7:116,758,524, A>C. VCF-style: chr7-116758524-A-C. GRCh37 (hg19) VCF-style: chr7-116398578-A-C.
Other names: c.2168A>C, p.Lys723Thr (NM_001127500.3, NM_001324401.3); c.878A>C, p.Lys293Thr (NM_001324402.2); short protein forms K723T, K293T.
Identifiers: ClinVar variation 524869 (VCV000524869.10), dbSNP rs1554395688, ClinGen allele CA368980602.

ClinVar aggregate classification (germline): Uncertain significance (1 of 4 stars; one submission).

Conditions:
Renal cell carcinoma. Identifiers: Orphanet 217071, MedGen C0007134, MeSH D002292, MONDO:0005086, HP:0005584.

Allele frequency attached by ClinVar (database versions not stated): TOPMed below 0.00001.

Submission:

Labcorp Genetics (formerly Invitae), Labcorp
Classification: Uncertain significance for Renal cell carcinoma. Last evaluated: 2019-11-13. Review status: criteria provided, single submitter. Criteria: Invitae Variant Classification Sherloc (09022015). Collection method: clinical testing. Allele origin: germline.
Comment: In summary, the available evidence is currently insufficient to determine the role of this variant in disease. Therefore, it has been classified as a Variant of Uncertain Significance. Algorithms developed to predict the effect of missense changes on protein structure and function do not agree on the potential impact of this missense change (SIFT: "Tolerated"; PolyPhen-2: "Probably Damaging"; Align-GVGD: "Class C0"). This variant is not present in population databases (ExAC no frequency). This variant has not been reported in the literature in individuals with MET-related disease. This sequence change replaces lysine with threonine at codon 723 of the MET protein (p.Lys723Thr). The lysine residue is moderately conserved and there is a moderate physicochemical difference between lysine and threonine.